The following is an entry in ClinVar:

ClinVar aggregate classification (germline): Uncertain significance (1 of 4 stars; one submission).

Allele frequency attached by ClinVar (database versions not stated): gnomAD exomes below 0.00001.
gnomAD v4.1: 2 of 1,614,210 alleles (0.00012%); highest among the groups gnomAD compares: Non-Finnish European, 0.00017%; no homozygotes.

Submission:

Labcorp Genetics (formerly Invitae), Labcorp
Classification: Uncertain significance. Last evaluated: 2022-11-03. Review status: criteria provided, single submitter. Criteria: Invitae Variant Classification Sherloc (09022015). Collection method: clinical testing. Allele origin: germline.
Comment: In summary, the available evidence is currently insufficient to determine the role of this variant in disease. Therefore, it has been classified as a Variant of Uncertain Significance. Algorithms developed to predict the effect of missense changes on protein structure and function are either unavailable or do not agree on the potential impact of this missense change (SIFT: "Deleterious"; PolyPhen-2: "Possibly Damaging"; Align-GVGD: "Class C0"). ClinVar contains an entry for this variant (Variation ID: 1355065). This variant has not been reported in the literature in individuals affected with LTBP2-related conditions. This variant is not present in population databases (gnomAD no frequency). This sequence change replaces alanine, which is neutral and non-polar, with aspartic acid, which is acidic and polar, at codon 1447 of the LTBP2 protein (p.Ala1447Asp).

NM_000428.3(LTBP2):c.4340C>A (p.Ala1447Asp)

Gene: LTBP2 (latent transforming growth factor beta binding protein 2; minus strand). Cytogenetic location: 14q24.3.
Variant type: single nucleotide variant.
Coding change: c.4340C>A on transcript NM_000428.3 (MANE Select); coding-DNA position 4340, C replaced by A.
Protein change: p.Ala1447Asp; replaces alanine 1447 with aspartic acid.
Molecular consequence: missense variant.
Genome position (GRCh38, 1-based): chr14:74,505,012, G>T on the plus strand (C>A on the coding strand, the complement: LTBP2 is on the minus strand). VCF-style: chr14-74505012-G-T. GRCh37 (hg19) VCF-style: chr14-74971715-G-T.
Other names: short protein forms A1447D.
Identifiers: ClinVar variation 1355065 (VCV001355065.7), dbSNP rs2139689856, ClinGen allele CA390385852.
Genomic context (GRCh38, chr14:74,505,012, plus strand): 5'-CTTCGAGGATCTGGAACCCTTGGGGTCTTACCTGAGTCCTCAGACGGGCAGAGGTCACAG[G>T]CATCTCCCCAGCTAGCGCCCTGGGTGCAGCAGCATTCAGCCTGTGTGGTGTTCCGGCCCA-3'
Protein context (NP_000419.1, residues 1437-1457): CCTQGASWGD[Ala1447Asp]CDLCPSEDSA